The following is an entry in ClinVar:

NM_002335.4(LRP5):c.1999G>A (p.Val667Met)

Gene: LRP5 (LDL receptor related protein 5; plus strand). Cytogenetic location: 11q13.2.
Variant type: single nucleotide variant.
Coding change: c.1999G>A on transcript NM_002335.4 (MANE Select); coding-DNA position 1999, G replaced by A.
Protein change: p.Val667Met; replaces valine 667 with methionine.
Molecular consequence: missense variant.
Genome position (GRCh38, 1-based): chr11:68,406,721, G>A. VCF-style: chr11-68406721-G-A. GRCh37 (hg19) VCF-style: chr11-68174189-G-A.
Other names: c.256G>A, p.Val86Met (NM_001291902.2); short protein forms V667M, V86M.
Identifiers: ClinVar variation 6276 (VCV000006276.27), dbSNP rs4988321, ClinGen allele CA213422.

ClinVar aggregate classification (germline): Conflicting classifications of pathogenicity. Review status: criteria provided, conflicting classifications (1 of 4 stars). 20 submissions from 19 submitters: Uncertain significance (1); Benign (9); Likely benign (3). 7 of the submissions do not count toward it. Last evaluated 2026-02-04.

Conditions:
Polycystic liver disease 4 with or without kidney cysts. Identifiers: MedGen C4693479, MONDO:0044327, OMIM 617875.
Osteoporosis with pseudoglioma (OPPG). Also called: osteoporosis-pseudoglioma syndrome. Identifiers: Orphanet 2788, MedGen C0432252, MONDO:0009820, OMIM 259770.
Exudative vitreoretinopathy 1 (EVR1). Also called: CRISWICK-SCHEPENS SYNDROME; FEVR, AUTOSOMAL DOMINANT; Familial exudative vitreoretinopathy, autosomal dominant. Identifiers: Orphanet 891, Orphanet 90050, MedGen C1851402, MONDO:0007589, OMIM 133780.
Exudative vitreoretinopathy 4 (EVR4). Identifiers: Orphanet 891, MedGen C1866176, MONDO:0011151, OMIM 601813.
Autosomal dominant osteopetrosis 1 (OPTA1). Also called: OSTEOPETROSIS, AUTOSOMAL DOMINANT, TYPE I. Identifiers: Orphanet 2783, MedGen C1843330, MONDO:0011877, OMIM 607634.
Worth disease. Also called: OSTEOSCLEROSIS, AUTOSOMAL DOMINANT; ENDOSTEAL HYPEROSTOSIS, AUTOSOMAL DOMINANT; Autosomal dominant osteosclerosis, Worth type. Identifiers: Orphanet 2790, MedGen C0432273, MONDO:0007764, OMIM 144750.
Bone mineral density quantitative trait locus 1 (BMND1). Identifiers: MedGen C1866079, OMIM 601884.
Osteoporosis. Identifiers: MedGen C0029456, MONDO:0005298, OMIM 166710, HP:0000939.
Disorder of bone. Also called: Rare bone disease related to a common gene or pathway defect; Bone disease; Bone disorder. Identifiers: Orphanet 364803, MedGen C0005940, MONDO:0005381.
Retinal dystrophy. Also called: Inherited retinal dystrophy. Identifiers: Orphanet 71862, MedGen C0854723, MeSH D058499, MONDO:0019118, HP:0000556.
Osteogenesis imperfecta (OI). Identifiers: Orphanet 666, MedGen C0029434, MeSH D010013, MONDO:0019019.

Allele frequency attached by ClinVar (database versions not stated): 1000 Genomes Project 0.01837; 1000 Genomes Project 30x 0.01952; gnomAD 0.03443 and 0.03472; TOPMed 0.03746; ExAC 0.03767; gnomAD exomes 0.03806 and 0.04647.
gnomAD v4.1: 73,173 of 1,614,070 alleles (4.5%); highest among the groups gnomAD compares: Middle Eastern, 9.6%; 1,942 homozygotes.

Submissions (20):

Labcorp Genetics (formerly Invitae), Labcorp
Classification: Benign. Last evaluated: 2026-02-04. Review status: criteria provided, single submitter. Criteria: Invitae Variant Classification Sherloc (09022015). Collection method: clinical testing. Allele origin: germline.

Blueprint Genetics
Classification: Benign. Last evaluated: 2024-11-27. Review status: criteria provided, single submitter. Criteria: ACMG Guidelines, 2015. Collection method: clinical testing. Allele origin: germline.

Mayo Clinic Laboratories, Mayo Clinic
Classification: Benign. Last evaluated: 2023-08-31. Review status: criteria provided, single submitter. Criteria: ACMG Guidelines, 2015. Collection method: clinical testing. Allele origin: germline. Observed: 30 variant alleles.
Comment: BA1

Department of Pathology and Laboratory Medicine, Sinai Health System
Classification: Benign for Exudative vitreoretinopathy 1; Worth disease; Osteoporosis with pseudoglioma; Exudative vitreoretinopathy 4; Autosomal dominant osteopetrosis 1; Polycystic liver disease 4 with or without kidney cysts. Last evaluated: 2023-02-06. Review status: criteria provided, single submitter. Criteria: ACMG Guidelines, 2015. Collection method: research. Allele origin: germline.

Genome Diagnostics Laboratory, The Hospital for Sick Children
Classification: Benign for Osteogenesis imperfecta. Last evaluated: 2022-07-18. Review status: criteria provided, single submitter. Criteria: ACMG Guidelines, 2015. Collection method: clinical testing. Allele origin: germline.

Fulgent Genetics
Classification: Benign for Exudative vitreoretinopathy 1; Worth disease; Osteoporosis; Osteoporosis with pseudoglioma; Exudative vitreoretinopathy 4; Bone mineral density quantitative trait locus 1; Autosomal dominant osteopetrosis 1; Polycystic liver disease 4 with or without kidney cysts. Last evaluated: 2022-05-06. Review status: criteria provided, single submitter. Criteria: ACMG Guidelines, 2015. Collection method: clinical testing. Allele origin: unknown.

Genome Diagnostics Laboratory, The Hospital for Sick Children
Classification: Benign for Disorder of bone. Last evaluated: 2021-04-29. Review status: criteria provided, single submitter. Criteria: ACMG Guidelines, 2015. Collection method: clinical testing. Allele origin: germline. Affected: yes.
Comment: This missense variant is classified as Benign (ACMG criteria - BA1)

Mendelics
Classification: Likely benign for Osteoporosis with pseudoglioma. Last evaluated: 2019-05-28. Review status: criteria provided, single submitter. Criteria: Mendelics Assertion Criteria 2017. Collection method: clinical testing. Allele origin: unknown.

Athena Diagnostics
Classification: Benign. Last evaluated: 2018-12-06. Review status: criteria provided, single submitter. Criteria: Athena Diagnostics Criteria. Collection method: clinical testing. Allele origin: germline.

GeneDx
Classification: Benign. Last evaluated: 2015-03-03. Review status: criteria provided, single submitter. Criteria: GeneDx Variant Classification Process June 2021. Collection method: clinical testing. Allele origin: germline. Affected: yes.
Comment: This variant is associated with the following publications: (PMID: 30283887, 28222408, 15077203, 18026682, 18349089, 22025579, 18058054, 11719191, 17307038, 22511589, 21116122)

Institute of Human Genetics, Univ. Regensburg, Univ. Regensburg
Classification: Uncertain significance for Retinal dystrophy. Last evaluated: 2014-01-01. Review status: criteria provided, single submitter. Criteria: ACMG Guidelines, 2015. Collection method: clinical testing. Allele origin: germline. Affected: yes.

Breakthrough Genomics
Classification: Likely benign. Review status: criteria provided, single submitter. Criteria: ACMG Guidelines, 2015. Collection method: not provided. Allele origin: germline. Inheritance: Autosomal recessive inheritance. Affected: yes.

PreventionGenetics, part of Exact Sciences
Classification: Likely benign. Review status: criteria provided, single submitter. Criteria: ACMG Guidelines, 2015. Collection method: clinical testing. Allele origin: germline.

Women's Health and Genetics/Laboratory Corporation of America, LabCorp
No classification provided. Condition: Osteoporosis with pseudoglioma. Last evaluated: 2015-10-02. Review status: no classification provided. Collection method: clinical testing. Allele origin: germline. Not counted in ClinVar's aggregate classification.

OMIM
Classification: Pathogenic for OSTEOPOROSIS-PSEUDOGLIOMA SYNDROME. Last evaluated: 2001-11-16. Review status: no assertion criteria provided. Collection method: literature only. Allele origin: germline. Not counted in ClinVar's aggregate classification.

Clinical Genetics, Academic Medical Center
Classification: Benign. Review status: no assertion criteria provided. Collection method: clinical testing. Allele origin: germline. Affected: yes. Study: VKGL Data-share Consensus. Not counted in ClinVar's aggregate classification.

Genome Diagnostics Laboratory, Amsterdam University Medical Center
Classification: Likely benign. Review status: no assertion criteria provided. Collection method: clinical testing. Allele origin: germline. Affected: yes. Study: VKGL Data-share Consensus. Not counted in ClinVar's aggregate classification.

Genome Diagnostics Laboratory, University Medical Center Utrecht
Classification: Benign. Review status: no assertion criteria provided. Collection method: clinical testing. Allele origin: germline. Affected: yes. Study: VKGL Data-share Consensus. Not counted in ClinVar's aggregate classification.

Laboratory of Diagnostic Genome Analysis, Leiden University Medical Center (LUMC)
Classification: Benign. Review status: no assertion criteria provided. Collection method: clinical testing. Allele origin: germline. Affected: yes. Study: VKGL Data-share Consensus. Not counted in ClinVar's aggregate classification.

NEI Ophthalmic Genomics Laboratory, National Institutes of Health
No classification provided. Review status: no classification provided. Collection method: not provided. Allele origin: not provided. Not counted in ClinVar's aggregate classification.

Literature cited by the submitters: PubMed 11719191 (cited by 3 submitters); PubMed 12579474 (cited by Athena Diagnostics); PubMed 15024691 (cited by Athena Diagnostics); PubMed 15077203 (cited by Athena Diagnostics and Institute of Human Genetics, Univ. Regensburg, Univ. Regensburg); PubMed 15201508 (cited by Athena Diagnostics); PubMed 15619672 (cited by Athena Diagnostics); PubMed 15767861 (cited by Athena Diagnostics); PubMed 15777745 (cited by Athena Diagnostics); PubMed 15824851 (cited by Athena Diagnostics); PubMed 15824861 (cited by Athena Diagnostics); PubMed 15850991 (cited by Athena Diagnostics); PubMed 16679074 (cited by Athena Diagnostics); PubMed 17137849 (cited by Athena Diagnostics and Institute of Human Genetics, Univ. Regensburg, Univ. Regensburg); PubMed 17202888 (cited by Athena Diagnostics); PubMed 17223614 (cited by Athena Diagnostics); PubMed 17306638 (cited by Athena Diagnostics); PubMed 17307038 (cited by Athena Diagnostics and Institute of Human Genetics, Univ. Regensburg, Univ. Regensburg); PubMed 18058054 (cited by Athena Diagnostics and Institute of Human Genetics, Univ. Regensburg, Univ. Regensburg); PubMed 18349089 (cited by Athena Diagnostics and Institute of Human Genetics, Univ. Regensburg, Univ. Regensburg); PubMed 18588671 (cited by Athena Diagnostics); PubMed 18026682 (cited by Institute of Human Genetics, Univ. Regensburg, Univ. Regensburg); PubMed 21116122 (cited by Institute of Human Genetics, Univ. Regensburg, Univ. Regensburg); PubMed 22025579 (cited by Institute of Human Genetics, Univ. Regensburg, Univ. Regensburg); PubMed 22511589 (cited by Institute of Human Genetics, Univ. Regensburg, Univ. Regensburg); PubMed 28222408 (cited by Institute of Human Genetics, Univ. Regensburg, Univ. Regensburg); PubMed 30283887 (cited by Institute of Human Genetics, Univ. Regensburg, Univ. Regensburg); PubMed 33939331 (cited by Institute of Human Genetics, Univ. Regensburg, Univ. Regensburg); PubMed 33302760 (cited by Institute of Human Genetics, Univ. Regensburg, Univ. Regensburg); PubMed 33118644 (cited by Institute of Human Genetics, Univ. Regensburg, Univ. Regensburg); PubMed 34673960 (cited by Institute of Human Genetics, Univ. Regensburg, Univ. Regensburg); PubMed 35252483 (cited by Institute of Human Genetics, Univ. Regensburg, Univ. Regensburg).